The following is an entry in ClinVar:

NM_005219.5(DIAPH1):c.169A>G (p.Ile57Val)

Gene: DIAPH1 (diaphanous related formin 1; minus strand). Cytogenetic location: 5q31.3.
Variant type: single nucleotide variant.
Coding change: c.169A>G on transcript NM_005219.5 (MANE Select); coding-DNA position 169, A replaced by G.
Protein change: p.Ile57Val; replaces isoleucine 57 with valine.
Molecular consequence: missense variant.
Genome position (GRCh38, 1-based): chr5:141,587,173, T>C on the plus strand (A>G on the coding strand, the complement: DIAPH1 is on the minus strand). VCF-style: chr5-141587173-T-C. GRCh37 (hg19) VCF-style: chr5-140966740-T-C.
Other names: c.142A>G, p.Ile48Val (NM_001079812.3); c.169A>G, p.Ile57Val (NM_001314007.2); short protein forms I48V, I57V.
Identifiers: ClinVar variation 965720 (VCV000965720.10), dbSNP rs2099897673, ClinGen allele CA361546740.
Genomic context (GRCh38, chr5:141,587,173, plus strand): 5'-CCCCATATGATGCAGAAGAATTTCTATGAGCAGAATTGGGCTTTTCCTTCTCCTTCTTAA[T>C]TCTCATGCTGGTAAATCTCTCCAGCTGAGAAACAGAAAAAAGCATTAGCAGTGATCCATT-3'
Protein context (NP_005210.3, residues 47-67): DELERFTSMR[Ile57Val]KKEKEKPNSA

ClinVar aggregate classification (germline): Uncertain significance (1 of 4 stars; one submission).

Conditions:
Progressive microcephaly-seizures-cortical blindness-developmental delay syndrome. Also called: Seizures, cortical blindness, and microcephaly syndrome. Identifiers: Orphanet 477814, MedGen C5567650, MONDO:0014714, OMIM 616632.
Autosomal dominant nonsyndromic hearing loss 1. Also called: KONIGSMARK SYNDROME; DEAFNESS, AUTOSOMAL DOMINANT 1, WITH OR WITHOUT THROMBOCYTOPENIA. Identifiers: Orphanet 90635, MedGen C1852282, MONDO:0007424, OMIM 124900.

Submission:

Labcorp Genetics (formerly Invitae), Labcorp
Classification: Uncertain significance for Progressive microcephaly-seizures-cortical blindness-developmental delay syndrome; Autosomal dominant nonsyndromic hearing loss 1. Last evaluated: 2022-10-31. Review status: criteria provided, single submitter. Criteria: Invitae Variant Classification Sherloc (09022015). Collection method: clinical testing. Allele origin: germline.
Comment: In summary, the available evidence is currently insufficient to determine the role of this variant in disease. Therefore, it has been classified as a Variant of Uncertain Significance. Algorithms developed to predict the effect of missense changes on protein structure and function are either unavailable or do not agree on the potential impact of this missense change (SIFT: "Tolerated"; PolyPhen-2: "Not Available"; Align-GVGD: "Class C0"). ClinVar contains an entry for this variant (Variation ID: 965720). This variant has not been reported in the literature in individuals affected with DIAPH1-related conditions. This variant is not present in population databases (gnomAD no frequency). This sequence change replaces isoleucine, which is neutral and non-polar, with valine, which is neutral and non-polar, at codon 57 of the DIAPH1 protein (p.Ile57Val).